The following is an entry in ClinVar:

ClinVar aggregate classification (germline): Likely benign. Review status: criteria provided, multiple submitters, no conflicts (2 of 4 stars). 3 submissions from 3 submitters: Likely benign (3). Last evaluated 2025-09-18.

Allele frequency attached by ClinVar (database versions not stated): gnomAD exomes 0.00005 and 0.00015; gnomAD 0.00009 and 0.00010; TOPMed 0.00010; ExAC 0.00012.
gnomAD v4.1: 92 of 1,613,958 alleles (0.0057%); highest among the groups gnomAD compares: East Asian, 0.045%; no homozygotes.

Submissions (3):

Labcorp Genetics (formerly Invitae), Labcorp
Classification: Likely benign. Last evaluated: 2025-09-18. Review status: criteria provided, single submitter. Criteria: Invitae Variant Classification Sherloc (09022015). Collection method: clinical testing. Allele origin: germline.

CeGaT Center for Human Genetics Tuebingen
Classification: Likely benign. Last evaluated: 2023-08-01. Review status: criteria provided, single submitter. Criteria: CeGaT Center For Human Genetics Tuebingen Variant Classification Criteria Version 2. Collection method: clinical testing. Allele origin: germline. Affected: yes. Observed: 1 variant allele.
Comment: COL7A1: BP4

Breakthrough Genomics
Classification: Likely benign. Review status: criteria provided, single submitter. Criteria: ACMG Guidelines, 2015. Collection method: not provided. Allele origin: germline. Inheritance: Autosomal recessive inheritance. Affected: yes.

NM_000094.4(COL7A1):c.2072C>T (p.Thr691Met)

Gene: COL7A1 (collagen type VII alpha 1 chain; minus strand). Cytogenetic location: 3p21.31.
Variant type: single nucleotide variant.
Coding change: c.2072C>T on transcript NM_000094.4 (MANE Select); coding-DNA position 2072, C replaced by T.
Protein change: p.Thr691Met; replaces threonine 691 with methionine.
Molecular consequence: missense variant.
Genome position (GRCh38, 1-based): chr3:48,589,697, G>A on the plus strand (C>T on the coding strand, the complement: COL7A1 is on the minus strand). VCF-style: chr3-48589697-G-A. GRCh37 (hg19) VCF-style: chr3-48627130-G-A.
Other names: short protein forms T691M.
Identifiers: ClinVar variation 1122666 (VCV001122666.33), dbSNP rs771007419, ClinGen allele CA2380997.